The following is an entry in ClinVar:

ClinVar aggregate classification (germline): Likely pathogenic (1 of 4 stars; one submission).

Conditions:
Jeune thoracic dystrophy. Also called: Jeune's syndrome; Chondroectodermal dysplasia-like syndrome; Short-rib thoracic dysplasia; Jeune syndrome; Infantile thoracic dystrophy; Thoracic pelvic phalangeal dystrophy. Identifiers: Orphanet 474, MedGen C0265275, MONDO:0018770.

Submission:

Labcorp Genetics (formerly Invitae), Labcorp
Classification: Likely pathogenic for Jeune thoracic dystrophy. Last evaluated: 2023-07-29. Review status: criteria provided, single submitter. Criteria: Invitae Variant Classification Sherloc (09022015). Collection method: clinical testing. Allele origin: unknown.
Comment: This variant results in a copy number gain of the genomic region encompassing exon(s) 18-60 of the DYNC2H1 gene. While the exact position of this variant cannot be determined from the data, sub-genic copy number gains are generally in tandem (PMID: 25640679). This variant is predicted to be out-of-frame, and may result in an absent or disrupted protein product. Loss-of-function variants in DYNC2H1 are known to be pathogenic (PMID: 23339108, 32753734, 33755199). This variant has not been reported in the literature in individuals affected with DYNC2H1-related conditions. In summary, the currently available evidence indicates that the variant is pathogenic, but additional data are needed to prove that conclusively. Therefore, this variant has been classified as Likely Pathogenic.

Literature cited by the submitters: PubMed 25640679; PubMed 23339108; PubMed 32753734; PubMed 33755199.

NC_000011.9:g.(?_103013977)_(103102095_?)dup

Gene: DYNC2H1 (dynein cytoplasmic 2 heavy chain 1; plus strand). Cytogenetic location: 11q22.3.
Variant type: Duplication.
Identifiers: ClinVar variation 3244577 (VCV003244577.1).